The following is an entry in ClinVar:

ClinVar aggregate classification (germline): Conflicting classifications of pathogenicity. Review status: criteria provided, conflicting classifications (1 of 4 stars). 7 submissions from 7 submitters: Uncertain significance (2); Likely benign (4). 1 of the submissions does not count toward it. Last evaluated 2026-01-24.

Conditions:
ABCC2-related disorder. Also called: ABCC2-related condition.
Dubin-Johnson syndrome (DJS). Also called: HYPERBILIRUBINEMIA, DUBIN-JOHNSON TYPE; Hyperbilirubinemia type 2; Jaundice, Chronic Idiopathic. Identifiers: Orphanet 234, MedGen C0022350, MONDO:0009380, OMIM 237500.

Allele frequency attached by ClinVar (database versions not stated): 1000 Genomes Project 0.00040; 1000 Genomes Project 30x 0.00047; gnomAD 0.00224 and 0.00253; gnomAD exomes 0.00236 and 0.00385; TOPMed 0.00244; ExAC 0.00298; ESP Exome Variant Server 0.00315.
gnomAD v4.1: 5,904 of 1,614,116 alleles (0.37%); highest among the groups gnomAD compares: Non-Finnish European, 0.48%; 18 homozygotes.

Submissions (12):

Labcorp Genetics (formerly Invitae), Labcorp
Classification: Likely benign. Last evaluated: 2026-01-24. Review status: criteria provided, single submitter. Criteria: Invitae Variant Classification Sherloc (09022015). Collection method: clinical testing. Allele origin: germline.

Mayo Clinic Laboratories, Mayo Clinic
Classification: Likely benign. Last evaluated: 2025-09-08. Review status: criteria provided, single submitter. Criteria: ACMG Guidelines, 2015. Collection method: clinical testing. Allele origin: germline. Observed: 2 variant alleles.
Comment: BS1, BP4, BP7

Blueprint Genetics
Classification: Uncertain significance. Last evaluated: 2024-10-16. Review status: criteria provided, single submitter. Criteria: ACMG Guidelines, 2015. Collection method: clinical testing. Allele origin: germline.

CeGaT Center for Human Genetics Tuebingen
Classification: Likely benign. Last evaluated: 2024-06-01. Review status: criteria provided, single submitter. Criteria: CeGaT Center For Human Genetics Tuebingen Variant Classification Criteria Version 2. Collection method: clinical testing. Allele origin: germline. Affected: yes. Observed: 2 variant alleles.
Comment: ABCC2: BP4, BS2

Eurofins Ntd Llc (ga)
Classification: Uncertain significance. Last evaluated: 2018-07-05. Review status: criteria provided, single submitter. Criteria: EGL ClinVar v180209 classification definitions. Collection method: clinical testing. Allele origin: germline. Observed: 19 variant alleles, 19 heterozygotes.

Illumina Laboratory Services, Illumina
Classification: Likely benign for Dubin-Johnson syndrome. Last evaluated: 2018-01-13. Review status: criteria provided, single submitter. Criteria: ICSL Variant Classification Criteria 13 December 2019. Collection method: clinical testing. Allele origin: germline.
Comment: This variant was observed in the ICSL laboratory as part of a predisposition screen in an ostensibly healthy population. It had not been previously curated by ICSL or reported in the Human Gene Mutation Database (HGMD: prior to June 1st, 2018), and was therefore a candidate for classification through an automated scoring system. Utilizing variant allele frequency, disease prevalence and penetrance estimates, and inheritance mode, an automated score was calculated to assess if this variant is too frequent to cause the disease. Based on the score and internal cut-off values, a variant classified as likely benign is not then subjected to further curation. The score for this variant resulted in a classification of likely benign for this disease.

PreventionGenetics, part of Exact Sciences
Classification: Likely benign for ABCC2-related condition. Last evaluated: 2019-09-30. Review status: no assertion criteria provided. Collection method: clinical testing. Allele origin: germline. Not counted in ClinVar's aggregate classification.
Comment: This variant is classified as likely benign based on ACMG/AMP sequence variant interpretation guidelines (Richards et al. 2015 PMID: 25741868, with internal and published modifications).

Dr. Peter K. Rogan Lab, Western University
No classification provided (evidence only). Condition: Melanoma. Review status: no classification provided. Collection method: in vitro. Allele origin: not applicable. Functional consequence: retained intron. Not counted in ClinVar's aggregate classification.

Dr. Peter K. Rogan Lab, Western University
No classification provided (evidence only). Condition: Melanoma. Review status: no classification provided. Collection method: in vitro. Allele origin: not applicable. Functional consequence: retained intron. Not counted in ClinVar's aggregate classification.

Dr. Peter K. Rogan Lab, Western University
No classification provided (evidence only). Condition: Familial cancer of breast. Review status: no classification provided. Collection method: in vitro. Allele origin: not applicable. Functional consequence: retained intron. Not counted in ClinVar's aggregate classification.

Dr. Peter K. Rogan Lab, Western University
No classification provided (evidence only). Condition: Acute myeloid leukemia. Review status: no classification provided. Collection method: in vitro. Allele origin: not applicable. Functional consequence: retained intron. Not counted in ClinVar's aggregate classification.

Dr. Peter K. Rogan Lab, Western University
No classification provided (evidence only). Condition: Acute myeloid leukemia. Review status: no classification provided. Collection method: in vitro. Allele origin: not applicable. Functional consequence: retained intron. Not counted in ClinVar's aggregate classification.

NM_000392.5(ABCC2):c.1032-3C>T

Gene: ABCC2 (ATP binding cassette subfamily C member 2; plus strand). Cytogenetic location: 10q24.2.
Variant type: single nucleotide variant.
Coding change: c.1032-3C>T on transcript NM_000392.5 (MANE Select); 3 bases into the intron before coding-DNA position 1032, C replaced by T.
Molecular consequence: intron variant.
Genome position (GRCh38, 1-based): chr10:99,800,383, C>T. VCF-style: chr10-99800383-C-T. GRCh37 (hg19) VCF-style: chr10-101560140-C-T.
Other names: p.?; c.1032-3C>T (LRG_1208t1).
Identifiers: ClinVar variation 290082 (VCV000290082.43), dbSNP rs139800035, ClinGen allele CA5643066.